The following is an entry in ClinVar:

NM_001145809.2(MYH14):c.2667C>G (p.His889Gln)

Gene: MYH14 (myosin heavy chain 14; plus strand). Cytogenetic location: 19q13.33.
Variant type: single nucleotide variant.
Coding change: c.2667C>G on transcript NM_001145809.2 (MANE Select); coding-DNA position 2667, C replaced by G.
Protein change: p.His889Gln; replaces histidine 889 with glutamine.
Molecular consequence: missense variant.
Genome position (GRCh38, 1-based): chr19:50,263,393, C>G. VCF-style: chr19-50263393-C-G. GRCh37 (hg19) VCF-style: chr19-50766650-C-G.
Other names: c.2568C>G, p.His856Gln (NM_001077186.2); c.2544C>G, p.His848Gln (NM_024729.4); short protein forms H889Q, H856Q, H848Q.
Identifiers: ClinVar variation 228873 (VCV000228873.4), dbSNP rs876657872, ClinGen allele CA10577107.
Genomic context (GRCh38, chr19:50,263,393, plus strand): 5'-GCAGCAGAGCGCCCTGAGGGTGATGCAGCGGAACTGCGCGGCCTACCTCAAGCTGAGACA[C>G]TGGCAGTGGTGGCGGCTGTTTACCAAGGTGAGGGCAGCCTGGGGAGGTGGCCCCAGTAGG-3'
Protein context (NP_001139281.1, residues 879-899): RNCAAYLKLR[His889Gln]WQWWRLFTKV

ClinVar aggregate classification (germline): Uncertain significance (1 of 4 stars; one submission).

Allele frequency attached by ClinVar (database versions not stated): TOPMed below 0.00001.

Submission:

Laboratory for Molecular Medicine, Mass General Brigham Personalized Medicine
Classification: Uncertain significance. Last evaluated: 2015-11-07. Review status: criteria provided, single submitter. Criteria: LMM Criteria. Collection method: clinical testing. Allele origin: germline. Observed: 1 variant allele.
Comment: The p.His889Gln variant in MYH14 has not been previously reported in individuals with hearing loss and was absent from large population studies. Computational p rediction tools and conservation analyses suggest that the p.His889Gln variant m ay not impact the protein, though this information is not predictive enough to r ule out pathogenicity. In summary, the clinical significance of the p.His889Gln variant is uncertain.